The following is an entry in ClinVar:

ClinVar aggregate classification (germline): Uncertain significance (1 of 4 stars; one submission).

Conditions:
Inborn genetic diseases. Identifiers: MedGen C0950123, MeSH D030342.

Submission:

Ambry Genetics
Classification: Uncertain significance for Inborn genetic diseases. Last evaluated: 2026-08-29. Review status: criteria provided, single submitter. Criteria: Ambry Variant Classification Scheme 2023. Collection method: clinical testing. Allele origin: germline.
Comment: The p.H321N variant (also known as c.961C>A), located in coding exon 7 of the BUB1B gene, results from a C to A substitution at nucleotide position 961. The histidine at codon 321 is replaced by asparagine, an amino acid with similar properties. This amino acid position is conserved. In addition, this alteration is predicted to be tolerated by in silico analysis. Based on the available evidence, the clinical significance of this variant remains unclear.

NM_001211.6(BUB1B):c.961C>A (p.His321Asn)

Gene: BUB1B (BUB1 mitotic checkpoint serine/threonine kinase B; plus strand). Cytogenetic location: 15q15.1.
Variant type: single nucleotide variant.
Coding change: c.961C>A on transcript NM_001211.6 (MANE Select); coding-DNA position 961, C replaced by A.
Protein change: p.His321Asn; replaces histidine 321 with asparagine.
Molecular consequence: missense variant.
Genome position (GRCh38, 1-based): chr15:40,185,374, C>A. VCF-style: chr15-40185374-C-A. GRCh37 (hg19) VCF-style: chr15-40477575-C-A.
Other names: short protein forms H321N.
Identifiers: ClinVar variation 5033543 (VCV005033543.1).